The following is an entry in ClinVar:

NM_144499.3(GNAT1):c.748T>G (p.Cys250Gly)

Gene: GNAT1 (G protein subunit alpha transducin 1; plus strand). Cytogenetic location: 3p21.31.
Variant type: single nucleotide variant.
Coding change: c.748T>G on transcript NM_144499.3 (MANE Select); coding-DNA position 748, T replaced by G.
Protein change: p.Cys250Gly; replaces cysteine 250 with glycine.
Molecular consequence: missense variant.
Genome position (GRCh38, 1-based): chr3:50,194,540, T>G. VCF-style: chr3-50194540-T-G. GRCh37 (hg19) VCF-style: chr3-50231973-T-G.
Other names: c.748T>G, p.Cys250Gly (NM_000172.4); short protein forms C250G.
Identifiers: ClinVar variation 2811015 (VCV002811015.3), dbSNP rs747897846, ClinGen allele CA352917790.

ClinVar aggregate classification (germline): Uncertain significance (1 of 4 stars; one submission).

Submission:

Labcorp Genetics (formerly Invitae), Labcorp
Classification: Uncertain significance. Last evaluated: 2022-10-31. Review status: criteria provided, single submitter. Criteria: Invitae Variant Classification Sherloc (09022015). Collection method: clinical testing. Allele origin: germline.
Comment: In summary, the available evidence is currently insufficient to determine the role of this variant in disease. Therefore, it has been classified as a Variant of Uncertain Significance. This sequence change replaces cysteine, which is neutral and slightly polar, with glycine, which is neutral and non-polar, at codon 250 of the GNAT1 protein (p.Cys250Gly). This variant is not present in population databases (gnomAD no frequency). This variant has not been reported in the literature in individuals affected with GNAT1-related conditions. Advanced modeling of protein sequence and biophysical properties (such as structural, functional, and spatial information, amino acid conservation, physicochemical variation, residue mobility, and thermodynamic stability) performed at Invitae indicates that this missense variant is expected to disrupt GNAT1 protein function.